The following is an entry in ClinVar:

NM_000368.5(TSC1):c.-144+17C>T

Gene: TSC1 (TSC complex subunit 1; minus strand). Cytogenetic location: 9q34.13.
Variant type: single nucleotide variant.
Coding change: c.-144+17C>T on transcript NM_000368.5 (MANE Select); 17 bases into the intron after 144 bases upstream of the start codon, C replaced by T.
Molecular consequence: intron variant.
Genome position (GRCh38, 1-based): chr9:132,944,526, G>A on the plus strand (C>T on the coding strand, the complement: TSC1 is on the minus strand). VCF-style: chr9-132944526-G-A. GRCh37 (hg19) VCF-style: chr9-135819913-G-A.
Other names: c.-403+17C>T (NM_001362177.2); c.-144+17C>T (NM_001162427.2, NM_001162426.2).
Identifiers: ClinVar variation 510608 (VCV000510608.1), dbSNP rs1554823324, ClinGen allele CA658797334.

ClinVar aggregate classification (germline): Likely benign (1 of 4 stars; one submission).

Submission:

GeneDx
Classification: Likely benign. Last evaluated: 2017-07-03. Review status: criteria provided, single submitter. Criteria: GeneDx Variant Classification (06012015). Collection method: clinical testing. Allele origin: germline. Affected: yes.
Comment: This variant is considered likely benign or benign based on one or more of the following criteria: it is a conservative change, it occurs at a poorly conserved position in the protein, it is predicted to be benign by multiple in silico algorithms, and/or has population frequency not consistent with disease.